The following is an entry in ClinVar:

NM_000441.2(SLC26A4):c.2186T>C (p.Leu729Pro)

Genes: SLC26A4 (solute carrier family 26 member 4; plus strand), LOC123956210 (Sharpr-MPRA regulatory region 3291; plus strand). Cytogenetic location: 7q22.3.
Variant type: single nucleotide variant.
Coding change: c.2186T>C on transcript NM_000441.2 (MANE Select); coding-DNA position 2186, T replaced by C.
Protein change: p.Leu729Pro; replaces leucine 729 with proline.
Molecular consequence: missense variant.
Genome position (GRCh38, 1-based): chr7:107,710,150, T>C. VCF-style: chr7-107710150-T-C. GRCh37 (hg19) VCF-style: chr7-107350595-T-C.
Other names: short protein forms L729P.
Identifiers: ClinVar variation 552468 (VCV000552468.16), dbSNP rs1045933779, ClinGen allele CA164228145.

ClinVar aggregate classification (germline): Pathogenic/Likely pathogenic. Review status: criteria provided, multiple submitters, no conflicts (2 of 4 stars). 5 submissions from 5 submitters: Pathogenic (2); Likely pathogenic (2). 1 of the submissions does not count toward it. Last evaluated 2025-06-23.

Conditions:
SLC26A4-related disorder. Also called: SLC26A4-related condition; SLC26A4-related disorders.
Autosomal recessive nonsyndromic hearing loss 4 (DFNB4). Also called: FOXI1-Related Pendred Syndrome; KCNJ10-Related Pendred Syndrome; DEAFNESS, AUTOSOMAL RECESSIVE 4, WITH ENLARGED VESTIBULAR AQUEDUCT, DIGENIC; NEUROSENSORY NONSYNDROMIC RECESSIVE DEAFNESS 4; Deafness, autosomal recessive 4; Enlarged vestibular aqueduct, digenic. Identifiers: Orphanet 90636, MedGen C3538946, MONDO:0010933, OMIM 600791.
Pendred syndrome (PDS). Also called: Pendred's syndrome; THYROID DYSHORMONOGENESIS 2B; THYROID HORMONOGENESIS, GENETIC DEFECT IN, 2B; Pendred Syndrome (PDS); DEAFNESS WITH GOITER; GOITER-DEAFNESS SYNDROME. Identifiers: Orphanet 705, MedGen C0271829, MONDO:0010134, OMIM 274600.

Allele frequency attached by ClinVar (database versions not stated): gnomAD 0.00001; gnomAD exomes 0.00001; TOPMed 0.00002.
gnomAD v4.1: 12 of 1,609,734 alleles (0.00075%); highest among the groups gnomAD compares: Non-Finnish European, 0.001%; no homozygotes.

Submissions (5):

Natera, Inc.
Classification: Pathogenic for Pendred syndrome. Last evaluated: 2025-06-23. Review status: criteria provided, single submitter. Criteria: Natera Variant Classification Schema (03/2026). Collection method: clinical testing. Allele origin: germline.
Comment: The c.2186T>C variant in SLC26A4 is a missense variant predicted to cause substitution of leucine to proline at amino acid 729. This variant is rare in the general population with a frequency below the threshold expected for the associated phenotype(s). This variant has been observed in one or more individuals affected with the associated recessive disease, as either homozygous or compound heterozygous with a second variant (PMID: 25394566, 23336812). Computational prediction algorithms indicate this variant is likely to affect gene or protein function. Given the available evidence, this variant is classified as Pathogenic.

Blueprint Genetics
Classification: Likely pathogenic for SLC26A4-related disorders. Last evaluated: 2024-08-09. Review status: criteria provided, single submitter. Criteria: ACMG Guidelines, 2015. Collection method: clinical testing. Allele origin: germline. Affected: yes. Observed: 2 variant alleles.

Labcorp Genetics (formerly Invitae), Labcorp
Classification: Likely pathogenic. Last evaluated: 2024-07-24. Review status: criteria provided, single submitter. Criteria: Invitae Variant Classification Sherloc (09022015). Collection method: clinical testing. Allele origin: germline.
Comment: This sequence change replaces leucine, which is neutral and non-polar, with proline, which is neutral and non-polar, at codon 729 of the SLC26A4 protein (p.Leu729Pro). This variant is not present in population databases (gnomAD no frequency). This missense change has been observed in individuals with SLC26A4-related conditions (PMID: 20146813, 23336812, 23401162, 25394566). ClinVar contains an entry for this variant (Variation ID: 552468). Advanced modeling of protein sequence and biophysical properties (such as structural, functional, and spatial information, amino acid conservation, physicochemical variation, residue mobility, and thermodynamic stability) has been performed at Invitae for this missense variant, however the output from this modeling did not meet the statistical confidence thresholds required to predict the impact of this variant on SLC26A4 protein function. In summary, the currently available evidence indicates that the variant is pathogenic, but additional data are needed to prove that conclusively. Therefore, this variant has been classified as Likely Pathogenic.

Baylor Genetics
Classification: Pathogenic for Autosomal recessive nonsyndromic hearing loss 4. Last evaluated: 2023-08-31. Review status: criteria provided, single submitter. Criteria: ACMG Guidelines, 2015. Collection method: clinical testing. Allele origin: unknown.

Counsyl
Classification: Likely pathogenic for Pendred syndrome. Last evaluated: 2017-06-12. Review status: no assertion criteria provided. Collection method: clinical testing. Allele origin: unknown. Not counted in ClinVar's aggregate classification.

Literature cited by the submitters: PubMed 25394566 (cited by 3 submitters); PubMed 23336812 (cited by 3 submitters); PubMed 20146813 (cited by Labcorp Genetics (formerly Invitae), Labcorp and Counsyl); PubMed 23401162 (cited by Labcorp Genetics (formerly Invitae), Labcorp and Counsyl).